The following is an entry in ClinVar:

ClinVar aggregate classification (germline): Conflicting classifications of pathogenicity. Review status: criteria provided, conflicting classifications (1 of 4 stars). 3 submissions from 3 submitters: Uncertain significance (2); Likely benign (1). Last evaluated 2025-10-07.

Conditions:
Developmental and epileptic encephalopathy, 40 (DEE40). Also called: Epileptic encephalopathy, early infantile, 40. Identifiers: Orphanet 3451, MedGen C4310737, MONDO:0014895, OMIM 617065.

Allele frequency attached by ClinVar (database versions not stated): ESP Exome Variant Server 0.00008; gnomAD 0.00009; TOPMed 0.00016; 1000 Genomes Project 0.00060; 1000 Genomes Project 30x 0.00062.
gnomAD v4.1: 174 of 1,609,960 alleles (0.011%); highest among the groups gnomAD compares: East Asian, 0.085%; no homozygotes.

Submissions (3):

Labcorp Genetics (formerly Invitae), Labcorp
Classification: Uncertain significance. Last evaluated: 2025-10-07. Review status: criteria provided, single submitter. Criteria: Invitae Variant Classification Sherloc (09022015). Collection method: clinical testing. Allele origin: germline.
Comment: This sequence change replaces valine, which is neutral and non-polar, with isoleucine, which is neutral and non-polar, at codon 652 of the GUF1 protein (p.Val652Ile). This variant is present in population databases (rs201662175, gnomAD 0.2%), and has an allele count higher than expected for a pathogenic variant. This variant has not been reported in the literature in individuals affected with GUF1-related conditions. ClinVar contains an entry for this variant (Variation ID: 1030775). An algorithm developed to predict the effect of missense changes on protein structure and function outputs the following: PolyPhen-2: "Benign". The isoleucine amino acid residue is found in multiple mammalian species, which suggests that this missense change does not adversely affect protein function. In summary, the available evidence is currently insufficient to determine the role of this variant in disease. Therefore, it has been classified as a Variant of Uncertain Significance.

Ambry Genetics
Classification: Likely benign. Last evaluated: 2023-10-13. Review status: criteria provided, single submitter. Criteria: Ambry Variant Classification Scheme 2023. Collection method: clinical testing. Allele origin: germline.

Baylor Genetics
Classification: Uncertain significance for Developmental and epileptic encephalopathy, 40. Last evaluated: 2019-08-22. Review status: criteria provided, single submitter. Criteria: ACMG Guidelines, 2015. Collection method: clinical testing. Allele origin: unknown. Affected: yes.
Comment: This variant was determined to be of uncertain significance according to ACMG Guidelines, 2015 [PMID:25741868].

NM_021927.3(GUF1):c.1954G>A (p.Val652Ile)

Gene: GUF1 (GTP binding elongation factor GUF1; plus strand). Cytogenetic location: 4p12.
Variant type: single nucleotide variant.
Coding change: c.1954G>A on transcript NM_021927.3 (MANE Select); coding-DNA position 1954, G replaced by A.
Protein change: p.Val652Ile; replaces valine 652 with isoleucine.
Molecular consequence: missense variant.
Genome position (GRCh38, 1-based): chr4:44,698,625, G>A. VCF-style: chr4-44698625-G-A. GRCh37 (hg19) VCF-style: chr4-44700642-G-A.
Other names: c.982G>A, p.Val328Ile (NM_001345867.2, NM_001345869.2); c.1834G>A, p.Val612Ile (NM_001345868.2); short protein forms V328I, V612I, V652I.
Identifiers: ClinVar variation 1030775 (VCV001030775.8), dbSNP rs201662175, ClinGen allele CA2905832.